The following is an entry in ClinVar:

NM_006892.4(DNMT3B):c.1586C>T (p.Pro529Leu)

Genes: DNMT3B (DNA methyltransferase 3 beta; plus strand), LOC126863014 (CDK7 strongly-dependent group 2 enhancer GRCh37_chr20:31385992-31387191; plus strand). Cytogenetic location: 20q11.21.
Variant type: single nucleotide variant.
Coding change: c.1586C>T on transcript NM_006892.4 (MANE Select); coding-DNA position 1586, C replaced by T.
Protein change: p.Pro529Leu; replaces proline 529 with leucine.
Molecular consequence: missense variant.
Genome position (GRCh38, 1-based): chr20:32,798,555, C>T. VCF-style: chr20-32798555-C-T. GRCh37 (hg19) VCF-style: chr20-31386361-C-T.
Other names: c.1400C>T, p.Pro467Leu (NM_001207055.2); c.1298C>T, p.Pro433Leu (NM_001207056.2); c.1526C>T, p.Pro509Leu (NM_175848.2, NM_175849.2); c.1562C>T, p.Pro521Leu (NM_175850.3); short protein forms P467L, P529L, P509L, P433L, P521L.
Identifiers: ClinVar variation 643310 (VCV000643310.11), dbSNP rs767169378, ClinGen allele CA9810638.

ClinVar aggregate classification (germline): Uncertain significance. Review status: criteria provided, multiple submitters, no conflicts (2 of 4 stars). 2 submissions from 2 submitters: Uncertain significance (2). Last evaluated 2025-08-26.

Conditions:
Centromeric instability of chromosomes 1,9 and 16 and immunodeficiency (ICF1). Also called: Immunodeficiency-centromeric instability-facial anomalies; CENTROMERIC INSTABILITY, IMMUNODEFICIENCY SYNDROME; IMMUNE DEFICIENCY, VARIABLE, WITH CENTROMERIC INSTABILITY OF CHROMOSOMES 1, 9, AND 16; IMMUNODEFICIENCY SYNDROME, VARIABLE. Identifiers: Orphanet 2268, MedGen C0398788, MONDO:0000133.
Inborn genetic diseases. Identifiers: MedGen C0950123, MeSH D030342.

Allele frequency attached by ClinVar (database versions not stated): ExAC 0.00001; gnomAD exomes 0.00002; gnomAD 0.00003; TOPMed 0.00003.

Submissions (2):

Ambry Genetics
Classification: Uncertain significance for Inborn genetic diseases. Last evaluated: 2025-08-26. Review status: criteria provided, single submitter. Criteria: Ambry Variant Classification Scheme 2023. Collection method: clinical testing. Allele origin: germline.

Labcorp Genetics (formerly Invitae), Labcorp
Classification: Uncertain significance for Centromeric instability of chromosomes 1,9 and 16 and immunodeficiency. Last evaluated: 2022-02-04. Review status: criteria provided, single submitter. Criteria: Invitae Variant Classification Sherloc (09022015). Collection method: clinical testing. Allele origin: germline.
Comment: This sequence change replaces proline, which is neutral and non-polar, with leucine, which is neutral and non-polar, at codon 529 of the DNMT3B protein (p.Pro529Leu). This variant is present in population databases (rs767169378, gnomAD 0.004%). This variant has not been reported in the literature in individuals affected with DNMT3B-related conditions. ClinVar contains an entry for this variant (Variation ID: 643310). Algorithms developed to predict the effect of missense changes on protein structure and function are either unavailable or do not agree on the potential impact of this missense change (SIFT: "Deleterious"; PolyPhen-2: "Benign"; Align-GVGD: "Class C65"). In summary, the available evidence is currently insufficient to determine the role of this variant in disease. Therefore, it has been classified as a Variant of Uncertain Significance.